The following is an entry in ClinVar:

NM_001096.3(ACLY):c.1122A>C (p.Thr374=)

Gene: ACLY (ATP citrate lyase; minus strand). Cytogenetic location: 17q21.2.
Variant type: single nucleotide variant.
Coding change: c.1122A>C on transcript NM_001096.3 (MANE Select); coding-DNA position 1122, A replaced by C.
Protein change: p.Thr374=; no amino-acid change (threonine 374 retained).
Molecular consequence: synonymous variant.
Genome position (GRCh38, 1-based): chr17:41,901,757, T>G on the plus strand (A>C on the coding strand, the complement: ACLY is on the minus strand). VCF-style: chr17-41901757-T-G. GRCh37 (hg19) VCF-style: chr17-40058010-T-G.
Other names: c.1284A>C, p.Thr428= (NM_001303274.1, NM_001303275.1); c.1122A>C, p.Thr374= (NM_198830.2).
Identifiers: ClinVar variation 64466 (VCV000064466.2), dbSNP rs387907382, ClinGen allele CA216207.
Genomic context (GRCh38, chr17:41,901,757, plus strand): 5'-GACTTCTCCCATCACCCGTAAGCCCTCCTGATAGTTGGGGCCACCTCTTCGGACAAAGAT[T>G]GTGACTTCGTGCTCCTTCAGGGGGCCCTGGTAATCTCGAATTGCTCTCACGATGCCCTGG-3'
Protein context (NP_001087.2, residues 364-384): YQGPLKEHEV[Thr374=]IFVRRGGPNY

ClinVar aggregate classification (germline): Uncertain significance (0 of 4 stars; one submission).

Allele frequency attached by ClinVar (database versions not stated): gnomAD exomes below 0.00001.
gnomAD v4.1: 10 of 1,607,724 alleles (0.00062%); highest among the groups gnomAD compares: Non-Finnish European, 0.00085%; no homozygotes.

Submission:

Martin Pollak Laboratory,  Beth Israel Deaconess Medical Center
Classification: Uncertain significance. Review status: no assertion criteria provided. Collection method: not provided. Allele origin: unknown.
Comment: Higher UCa2+ group
ClinVar note: Converted during submission from unknown to Uncertain significance.